The following is an entry in ClinVar:

ClinVar aggregate classification (germline): Likely benign (1 of 4 stars; one submission).

Submission:

CeGaT Center for Human Genetics Tuebingen
Classification: Likely benign. Last evaluated: 2023-07-01. Review status: criteria provided, single submitter. Criteria: CeGaT Center For Human Genetics Tuebingen Variant Classification Criteria Version 2. Collection method: clinical testing. Allele origin: germline. Affected: yes. Observed: 1 variant allele.
Comment: MUTYH: PM2:Supporting, BP4, BP7

NM_001048174.2(MUTYH):c.1413C>T (p.Gly471=)

Gene: MUTYH (mutY DNA glycosylase; minus strand). Cytogenetic location: 1p34.1.
Variant type: single nucleotide variant.
Coding change: c.1413C>T on transcript NM_001048174.2 (MANE Select); coding-DNA position 1413, C replaced by T.
Protein change: p.Gly471=; no amino-acid change (glycine 471 retained).
Molecular consequence: synonymous variant. On other transcripts: non-coding transcript variant (7).
Genome position (GRCh38, 1-based): chr1:45,330,537, G>A on the plus strand (C>T on the coding strand, the complement: MUTYH is on the minus strand). VCF-style: chr1-45330537-G-A. GRCh37 (hg19) VCF-style: chr1-45796209-G-A.
Other names: c.1413C>T, p.Gly471= (NM_001048171.2, NM_001048173.2, NM_001293195.2 and 6 more transcripts); c.1416C>T, p.Gly472= (NM_001048172.2, NM_001407071.1, NM_001407078.1 and 1 more transcripts); c.1497C>T, p.Gly499= (NM_001128425.2); c.1458C>T, p.Gly486= (NM_001293190.2); c.1446C>T, p.Gly482= (NM_001293191.2, NM_001407069.1, NM_001407077.1); c.1137C>T, p.Gly379= (NM_001293192.2, NM_001293196.2, NM_001407091.1); c.1068C>T, p.Gly356= (NM_001350650.2, NM_001350651.2, NM_001407082.1); c.1329C>T, p.Gly443= (NM_001407075.1); and 5 more.
Identifiers: ClinVar variation 2578575 (VCV002578575.25), dbSNP rs2149103466, ClinGen allele CA417702020.
Genomic context (GRCh38, chr1:45,330,537, plus strand): 5'-CCTGGGGAGACACGGTTGGGAGAGGCCTAGGAGACTTACCATACAGGTCCCTGGCTGTTG[G>A]CCCTGATACACACGGAAAACCTAGACAAGAAGACAGGGAGGTGAGGGCTGGCACTTTTTG-3'
Protein context (NP_001041639.1, residues 461-481): AMKKVFRVYQ[Gly471=]QQPGTCMGSK